The following is an entry in ClinVar:

NM_172107.4(KCNQ2):c.1749G>C (p.Lys583Asn)

Gene: KCNQ2 (potassium voltage-gated channel subfamily Q member 2; minus strand). Cytogenetic location: 20q13.33.
Variant type: single nucleotide variant.
Coding change: c.1749G>C on transcript NM_172107.4 (MANE Select); coding-DNA position 1749, G replaced by C.
Protein change: p.Lys583Asn; replaces lysine 583 with asparagine.
Molecular consequence: missense variant.
Genome position (GRCh38, 1-based): chr20:63,413,464, C>G on the plus strand (G>C on the coding strand, the complement: KCNQ2 is on the minus strand). VCF-style: chr20-63413464-C-G. GRCh37 (hg19) VCF-style: chr20-62044817-C-G.
Other names: c.1695G>C, p.Lys565Asn (NM_001382235.1, NM_172106.3); c.1665G>C, p.Lys555Asn (NM_004518.6); c.1656G>C, p.Lys552Asn (NM_172108.5); short protein forms K552N, K555N, K565N, K583N.
Identifiers: ClinVar variation 1068430 (VCV001068430.11), dbSNP rs2145541173, ClinGen allele CA409643359.

ClinVar aggregate classification (germline): Pathogenic/Likely pathogenic. Review status: criteria provided, multiple submitters, no conflicts (2 of 4 stars). 2 submissions from 2 submitters: Pathogenic (1); Likely pathogenic (1). Last evaluated 2025-08-21.

Conditions:
Developmental and epileptic encephalopathy, 7 (DEE7). Also called: Early infantile epileptic encephalopathy 7; KCNQ2-Related Neonatal Epileptic Encephalopathy; KCNQ2-Related Neonatal-Onset Developmental and Epileptic Encephalopathy (NEO-DEE). Identifiers: Orphanet 439218, MedGen C3150986, MONDO:0013387, OMIM 613720.
Early-infantile DEE. Also called: Early infantile epileptic encephalopathy with suppression bursts; Early infantile epileptic encephalopathy; Ohtahara syndrome. Identifiers: Orphanet 1934, MedGen C0393706, MONDO:0800491.

Submissions (2):

Labcorp Genetics (formerly Invitae), Labcorp
Classification: Pathogenic for Early-infantile DEE. Last evaluated: 2025-08-21. Review status: criteria provided, single submitter. Criteria: Invitae Variant Classification Sherloc (09022015). Collection method: clinical testing. Allele origin: germline.
Comment: This sequence change replaces lysine, which is basic and polar, with asparagine, which is neutral and polar, at codon 583 of the KCNQ2 protein (p.Lys583Asn). This variant is not present in population databases (gnomAD no frequency). This missense change has been observed in individual(s) with epileptic encephalopathy (PMID: 34015165; internal data). In at least one individual the variant was observed to be de novo. ClinVar contains an entry for this variant (Variation ID: 1068430). Invitae Evidence Modeling of protein sequence and biophysical properties (such as structural, functional, and spatial information, amino acid conservation, physicochemical variation, residue mobility, and thermodynamic stability) indicates that this missense variant is expected to disrupt KCNQ2 protein function with a positive predictive value of 95%. For these reasons, this variant has been classified as Pathogenic.

Genetics and Prenatal Diagnosis Center, The First Affiliated Hospital of Zhengzhou University
Classification: Likely pathogenic for Developmental and epileptic encephalopathy, 7. Last evaluated: 2021-05-13. Review status: criteria provided, single submitter. Criteria: ACMG Guidelines, 2015. Collection method: clinical testing. Allele origin: de novo. Affected: yes.

Literature cited by the submitters: PubMed 34015165 (cited by Labcorp Genetics (formerly Invitae), Labcorp).